The following is an entry in ClinVar:

ClinVar aggregate classification (germline): Uncertain significance. Review status: criteria provided, multiple submitters, no conflicts (2 of 4 stars). 2 submissions from 2 submitters: Uncertain significance (2). Last evaluated 2025-03-17.

Allele frequency attached by ClinVar (database versions not stated): gnomAD exomes below 0.00001; ExAC 0.00001.
gnomAD v4.1: 3 of 1,612,976 alleles (0.00019%); highest among the groups gnomAD compares: Non-Finnish European, 0.00025%; no homozygotes.

Submissions (2):

Ambry Genetics
Classification: Uncertain significance. Last evaluated: 2025-03-17. Review status: criteria provided, single submitter. Criteria: Ambry Variant Classification Scheme 2023. Collection method: clinical testing. Allele origin: germline.

Labcorp Genetics (formerly Invitae), Labcorp
Classification: Uncertain significance. Last evaluated: 2023-10-13. Review status: criteria provided, single submitter. Criteria: Invitae Variant Classification Sherloc (09022015). Collection method: clinical testing. Allele origin: germline.
Comment: This sequence change replaces aspartic acid, which is acidic and polar, with glutamic acid, which is acidic and polar, at codon 1064 of the SUCO protein (p.Asp1064Glu). This variant is present in population databases (rs752830624, gnomAD 0.0009%). This variant has not been reported in the literature in individuals affected with SUCO-related conditions. ClinVar contains an entry for this variant (Variation ID: 2047550). An algorithm developed to predict the effect of missense changes on protein structure and function (PolyPhen-2) suggests that this variant is likely to be disruptive. In summary, the available evidence is currently insufficient to determine the role of this variant in disease. Therefore, it has been classified as a Variant of Uncertain Significance.

NM_014283.5(SUCO):c.3192T>G (p.Asp1064Glu)

Gene: SUCO (SUN domain containing ossification factor; plus strand). Cytogenetic location: 1q24.3.
Variant type: single nucleotide variant.
Coding change: c.3192T>G on transcript NM_014283.5 (MANE Select); coding-DNA position 3192, T replaced by G.
Protein change: p.Asp1064Glu; replaces aspartic acid 1064 with glutamic acid.
Molecular consequence: missense variant.
Genome position (GRCh38, 1-based): chr1:172,602,714, T>G. VCF-style: chr1-172602714-T-G. GRCh37 (hg19) VCF-style: chr1-172571854-T-G.
Other names: c.3192T>G (NM_014283.3); c.2079T>G, p.Asp693Glu (NM_001282750.2); c.1503T>G, p.Asp501Glu (NM_001282751.2); c.3645T>G, p.Asp1215Glu (NM_016227.4); short protein forms D501E, D693E, D1215E, D1064E.
Identifiers: ClinVar variation 2047550 (VCV002047550.5), dbSNP rs752830624, ClinGen allele CA1247276.